The following is an entry in ClinVar:

ClinVar aggregate classification (germline): Uncertain significance. Review status: criteria provided, multiple submitters, no conflicts (2 of 4 stars). 3 submissions from 3 submitters: Uncertain significance (3). Last evaluated 2024-11-21.

Conditions:
Combined immunodeficiency due to LRBA deficiency. Also called: Common variable immunodeficiency 8, with autoimmunity. Identifiers: Orphanet 445018, MedGen C3553512, MONDO:0013863, OMIM 614700.

Allele frequency attached by ClinVar (database versions not stated): TOPMed 0.00004; gnomAD 0.00005 and 0.00007.
gnomAD v4.1: 92 of 1,609,322 alleles (0.0057%); highest among the groups gnomAD compares: East Asian, 0.069%; 1 homozygote.

Submissions (3):

Blueprint Genetics
Classification: Uncertain significance. Last evaluated: 2024-11-21. Review status: criteria provided, single submitter. Criteria: ACMG Guidelines, 2015. Collection method: clinical testing. Allele origin: germline.

Labcorp Genetics (formerly Invitae), Labcorp
Classification: Uncertain significance for Combined immunodeficiency due to LRBA deficiency. Last evaluated: 2022-01-11. Review status: criteria provided, single submitter. Criteria: Invitae Variant Classification Sherloc (09022015). Collection method: clinical testing. Allele origin: germline.
Comment: This sequence change replaces valine, which is neutral and non-polar, with isoleucine, which is neutral and non-polar, at codon 2641 of the LRBA protein (p.Val2641Ile). This variant is present in population databases (rs564067785, gnomAD 0.06%). This variant has not been reported in the literature in individuals affected with LRBA-related conditions. ClinVar contains an entry for this variant (Variation ID: 960851). Algorithms developed to predict the effect of missense changes on protein structure and function are either unavailable or do not agree on the potential impact of this missense change (SIFT: "Tolerated"; PolyPhen-2: "Probably Damaging"; Align-GVGD: "Class C0"). In summary, the available evidence is currently insufficient to determine the role of this variant in disease. Therefore, it has been classified as a Variant of Uncertain Significance.

CeGaT Center for Human Genetics Tuebingen
Classification: Uncertain significance. Last evaluated: 2021-10-01. Review status: criteria provided, single submitter. Criteria: CeGaT Center For Human Genetics Tuebingen Variant Classification Criteria Version 2. Collection method: clinical testing. Allele origin: germline. Affected: yes. Observed: 2 variant alleles.

NM_001364905.1(LRBA):c.7888G>A (p.Val2630Ile)

Gene: LRBA (LPS responsive beige-like anchor protein; minus strand). Cytogenetic location: 4q31.3.
Variant type: single nucleotide variant.
Coding change: c.7888G>A on transcript NM_001364905.1 (MANE Select); coding-DNA position 7888, G replaced by A.
Protein change: p.Val2630Ile; replaces valine 2630 with isoleucine.
Molecular consequence: missense variant.
Genome position (GRCh38, 1-based): chr4:150,302,754, C>T on the plus strand (G>A on the coding strand, the complement: LRBA is on the minus strand). VCF-style: chr4-150302754-C-T. GRCh37 (hg19) VCF-style: chr4-151223906-C-T.
Other names: c.7888G>A, p.Val2630Ile (NM_001199282.3); c.7903G>A, p.Val2635Ile (NM_001367550.1); c.7921G>A, p.Val2641Ile (NM_006726.5); short protein forms V2630I, V2635I, V2641I.
Identifiers: ClinVar variation 960851 (VCV000960851.41), dbSNP rs564067785, ClinGen allele CA3101493.
Genomic context (GRCh38, chr4:150,302,754, plus strand): 5'-ACCCTGAGAGAATGTAGCAATTTCCCCCAATATATGACTCAGAACGAGCAAGGCAAGTGA[C>T]GACATCCCAATGGCCAAACACCACTTGGATCAATCTTCCTGTAATGCAAAACAATTTTCT-3'
Protein context (NP_001351834.1, residues 2620-2640): IQVVFGHWDV[Val2630Ile]TCLARSESYI